The following is an entry in ClinVar:

ClinVar aggregate classification (germline): Uncertain significance (1 of 4 stars; one submission).

Conditions:
Neurofibromatosis, type 1 (NF1). Also called: NEUROFIBROMATOSIS, TYPE I, SOMATIC; Neurofibromatosis, type I; VON RECKLINGHAUSEN DISEASE; Peripheral type neurofibromatosis. Identifiers: Orphanet 636, MedGen C0027831, MONDO:0018975, OMIM 162200. Disease mechanism: loss of function.

Submission:

Labcorp Genetics (formerly Invitae), Labcorp
Classification: Uncertain significance for Neurofibromatosis, type 1. Last evaluated: 2020-11-24. Review status: criteria provided, single submitter. Criteria: Invitae Variant Classification Sherloc (09022015). Collection method: clinical testing. Allele origin: germline.
Comment: In summary, the available evidence is currently insufficient to determine the role of this variant in disease. Therefore, it has been classified as a Variant of Uncertain Significance. This variant disrupts the p.His1143 amino acid residue in NF1. Other variant(s) that disrupt this residue have been determined to be pathogenic (PMID: 12807981, 18546366, Invitae). This suggests that this residue is clinically significant, and that variants that disrupt this residue are likely to be disease-causing. Advanced modeling of protein sequence and biophysical properties (such as structural, functional, and spatial information, amino acid conservation, physicochemical variation, residue mobility, and thermodynamic stability) performed at Invitae indicates that this missense variant is not expected to disrupt NF1 protein function. This variant has not been reported in the literature in individuals with NF1-related conditions. This variant is not present in population databases (ExAC no frequency). This sequence change replaces histidine with glutamine at codon 1143 of the NF1 protein (p.His1143Gln). The histidine residue is moderately conserved and there is a small physicochemical difference between histidine and glutamine.

Literature cited by the submitters: PubMed 12807981; PubMed 18546366.

NM_001042492.3(NF1):c.3429C>A (p.His1143Gln)

Gene: NF1 (neurofibromin 1; plus strand). Cytogenetic location: 17q11.2.
Variant type: single nucleotide variant.
Coding change: c.3429C>A on transcript NM_001042492.3 (MANE Select); coding-DNA position 3429, C replaced by A.
Protein change: p.His1143Gln; replaces histidine 1143 with glutamine.
Molecular consequence: missense variant.
Genome position (GRCh38, 1-based): chr17:31,232,814, C>A. VCF-style: chr17-31232814-C-A. GRCh37 (hg19) VCF-style: chr17-29559832-C-A.
Other names: c.3429C>A, p.His1143Gln (NM_000267.4); short protein forms H1143Q.
Identifiers: ClinVar variation 1488331 (VCV001488331.8), dbSNP rs2151434709, ClinGen allele CA398989237.